The following is an entry in ClinVar:

NM_004366.6(CLCN2):c.2154G>C (p.Glu718Asp)

Gene: CLCN2 (chloride voltage-gated channel 2; minus strand). Cytogenetic location: 3q27.1.
Variant type: single nucleotide variant.
Coding change: c.2154G>C on transcript NM_004366.6 (MANE Select); coding-DNA position 2154, G replaced by C.
Protein change: p.Glu718Asp; replaces glutamic acid 718 with aspartic acid.
Molecular consequence: missense variant.
Genome position (GRCh38, 1-based): chr3:184,352,800, C>G on the plus strand (G>C on the coding strand, the complement: CLCN2 is on the minus strand). VCF-style: chr3-184352800-C-G. GRCh37 (hg19) VCF-style: chr3-184070588-C-G.
Other names: c.2103G>C, p.Glu701Asp (NM_001171087.3); c.2022G>C, p.Glu674Asp (NM_001171088.3); c.2154G>C, p.Glu718Asp (NM_001171089.3); short protein forms E718D, E701D, E674D.
Identifiers: ClinVar variation 217778 (VCV000217778.12), dbSNP rs2228292, ClinGen allele CA249369.

ClinVar aggregate classification (germline): Benign/Likely benign. Review status: criteria provided, multiple submitters, no conflicts (2 of 4 stars). 8 submissions from 8 submitters: Benign (4); Likely benign (1). 3 of the submissions do not count toward it. Last evaluated 2026-01-13.

Conditions:
Leukoencephalopathy with mild cerebellar ataxia and white matter edema (LKPAT). Also called: CLCN2-Related Leukoencephalopathy; Leukoencephalopathy with white matter edema; Brain white matter edema; Leukoencephalopathy with ataxia. Identifiers: Orphanet 363540, MedGen C4554120, MONDO:0014292, OMIM 615651. Disease mechanism: loss of function.

Allele frequency attached by ClinVar (database versions not stated): gnomAD exomes 0.01503; 1000 Genomes Project 0.00799; gnomAD 0.01541 and 0.01679; TOPMed 0.01383; 1000 Genomes Project 30x 0.00796; ExAC 0.01544; ESP Exome Variant Server 0.01600.
gnomAD v4.1: 34,004 of 1,613,200 alleles (2.1%); highest among the groups gnomAD compares: Non-Finnish European, 2.5%; 434 homozygotes.

Submissions (8):

Labcorp Genetics (formerly Invitae), Labcorp
Classification: Benign. Last evaluated: 2026-01-13. Review status: criteria provided, single submitter. Criteria: Invitae Variant Classification Sherloc (09022015). Collection method: clinical testing. Allele origin: germline.

Blueprint Genetics
Classification: Likely benign. Last evaluated: 2024-11-22. Review status: criteria provided, single submitter. Criteria: ACMG Guidelines, 2015. Collection method: clinical testing. Allele origin: germline.

Mayo Clinic Laboratories, Mayo Clinic
Classification: Benign. Last evaluated: 2023-02-03. Review status: criteria provided, single submitter. Criteria: ACMG Guidelines, 2015. Collection method: clinical testing. Allele origin: germline. Observed: 10 variant alleles.
Comment: BS1, BS2, BP5_stand-alone

Genomic Diagnostic Laboratory, Division of Genomic Diagnostics, Children's Hospital of Philadelphia
Classification: Benign. Last evaluated: 2015-05-05. Review status: criteria provided, single submitter. Criteria: DGD Variant Analysis Guidelines. Collection method: clinical testing. Allele origin: unknown.

Breakthrough Genomics
Classification: Benign. Review status: criteria provided, single submitter. Criteria: ACMG Guidelines, 2015. Collection method: not provided. Allele origin: germline. Inheritance: Autosomal recessive inheritance. Affected: yes.

GeneReviews
No classification provided. Condition: Leukoencephalopathy with mild cerebellar ataxia and white matter edema. Review status: no classification provided. Collection method: literature only. Allele origin: germline. Affected: yes. Not counted in ClinVar's aggregate classification.

Genome Diagnostics Laboratory, University Medical Center Utrecht
Classification: Likely benign. Review status: no assertion criteria provided. Collection method: clinical testing. Allele origin: germline. Affected: yes. Study: VKGL Data-share Consensus. Not counted in ClinVar's aggregate classification.

Laboratory of Diagnostic Genome Analysis, Leiden University Medical Center (LUMC)
Classification: Likely benign. Review status: no assertion criteria provided. Collection method: clinical testing. Allele origin: germline. Affected: yes. Study: VKGL Data-share Consensus. Not counted in ClinVar's aggregate classification.

Literature cited by the submitters: PubMed 15505175 (cited by GeneReviews); PubMed 16932951 (cited by GeneReviews); NCBI Bookshelf NBK326661 (cited by GeneReviews).